The following is an entry in ClinVar:

ClinVar aggregate classification (germline): Uncertain significance (1 of 4 stars; one submission).

Conditions:
Cardiovascular phenotype. Identifiers: MedGen CN230736.

gnomAD v4.1: 2 of 1,614,156 alleles (0.00012%); highest among the groups gnomAD compares: Non-Finnish European, 0.00017%; no homozygotes.

Submission:

Ambry Genetics
Classification: Uncertain significance for Cardiovascular phenotype. Last evaluated: 2026-07-26. Review status: criteria provided, single submitter. Criteria: Ambry Variant Classification Scheme 2023. Collection method: clinical testing. Allele origin: germline.
Comment: The p.A1152S variant (also known as c.3454G>T), located in coding exon 30 of the ANK2 gene, results from a G to T substitution at nucleotide position 3454. The alanine at codon 1152 is replaced by serine, an amino acid with similar properties. This amino acid position is conserved. In addition, the in silico prediction for this alteration is inconclusive. Based on the available evidence, the clinical significance of this variant remains unclear.

NM_001148.6(ANK2):c.3454G>T (p.Ala1152Ser)

Gene: ANK2 (ankyrin 2; plus strand). Cytogenetic location: 4q26.
Variant type: single nucleotide variant.
Coding change: c.3454G>T on transcript NM_001148.6 (MANE Select); coding-DNA position 3454, G replaced by T.
Protein change: p.Ala1152Ser; replaces alanine 1152 with serine.
Molecular consequence: missense variant.
Genome position (GRCh38, 1-based): chr4:113,335,920, G>T. VCF-style: chr4-113335920-G-T. GRCh37 (hg19) VCF-style: chr4-114257076-G-T.
Other names: c.3427G>T, p.Ala1143Ser (NM_001127493.3); c.3466G>T, p.Ala1156Ser (NM_001354225.2); c.3355G>T, p.Ala1119Ser (NM_001354228.2, NM_001354258.2); c.3433G>T, p.Ala1145Ser (NM_001354230.2); c.3496G>T, p.Ala1166Ser (NM_001354231.2, NM_001354242.2); c.3490G>T, p.Ala1164Ser (NM_001354232.2); c.3451G>T, p.Ala1151Ser (NM_001354235.2, NM_001354246.2, NM_001354265.2); c.3352G>T, p.Ala1118Ser (NM_001354236.2); and 30 more; short protein forms A1024S, A1052S, A1065S, A1077S, A1085S, A1090S, A1119S, A1152S.
Identifiers: ClinVar variation 5022012 (VCV005022012.1).